The following is an entry in ClinVar:

ClinVar aggregate classification (germline): Uncertain significance (1 of 4 stars; one submission).

Conditions:
Beckwith-Wiedemann syndrome (BWS). Also called: EMG SYNDROME; Exomphalos macroglossia gigantism syndrome. Identifiers: Orphanet 116, MedGen C0004903, MONDO:0007534, OMIM 130650.

Submission:

Labcorp Genetics (formerly Invitae), Labcorp
Classification: Uncertain significance for Beckwith-Wiedemann syndrome. Last evaluated: 2024-04-07. Review status: criteria provided, single submitter. Criteria: Invitae Variant Classification Sherloc (09022015). Collection method: clinical testing. Allele origin: germline.
Comment: This sequence change replaces phenylalanine, which is neutral and non-polar, with valine, which is neutral and non-polar, at codon 65 of the CDKN1C protein (p.Phe65Val). This variant is not present in population databases (gnomAD no frequency). This variant has not been reported in the literature in individuals affected with CDKN1C-related conditions. Advanced modeling of protein sequence and biophysical properties (such as structural, functional, and spatial information, amino acid conservation, physicochemical variation, residue mobility, and thermodynamic stability) performed at Invitae indicates that this missense variant is not expected to disrupt CDKN1C protein function with a negative predictive value of 80%. In summary, the available evidence is currently insufficient to determine the role of this variant in disease. Therefore, it has been classified as a Variant of Uncertain Significance.

NM_001122630.2(CDKN1C):c.160T>G (p.Phe54Val)

Gene: CDKN1C (cyclin dependent kinase inhibitor 1C; minus strand). Cytogenetic location: 11p15.4.
Variant type: single nucleotide variant.
Coding change: c.160T>G on transcript NM_001122630.2 (MANE Select); coding-DNA position 160, T replaced by G.
Protein change: p.Phe54Val; replaces phenylalanine 54 with valine.
Molecular consequence: missense variant.
Genome position (GRCh38, 1-based): chr11:2,885,297, A>C on the plus strand (T>G on the coding strand, the complement: CDKN1C is on the minus strand). VCF-style: chr11-2885297-A-C. GRCh37 (hg19) VCF-style: chr11-2906527-A-C.
Other names: c.193T>G, p.Phe65Val (NM_000076.2, NM_001362474.2); c.160T>G, p.Phe54Val (NM_001122631.2, NM_001362475.2); short protein forms F54V, F65V.
Identifiers: ClinVar variation 3644450 (VCV003644450.2).